The following is an entry in ClinVar:

ClinVar aggregate classification (germline): Likely pathogenic (1 of 4 stars; one submission).

Conditions:
Cardiovascular phenotype. Identifiers: MedGen CN230736.

Submission:

Ambry Genetics
Classification: Likely pathogenic for Cardiovascular phenotype. Last evaluated: 2026-03-11. Review status: criteria provided, single submitter. Criteria: Ambry Variant Classification Scheme 2023. Collection method: clinical testing. Allele origin: germline.
Comment: The c.69353dupA variant, located in coding exon 174 of the TTN gene, results from a duplication of A at nucleotide position 69353, causing a translational frameshift with a predicted alternate stop codon (p.N23118Kfs*10). This exon is located in the A-band region of the N2-B isoform of the titin protein and is constitutively expressed in TTN transcripts (percent spliced in or PSI 100%). This variant is expected to result in loss of function by premature protein truncation or nonsense-mediated mRNA decay. While truncating variants in TTN are present in 1-3% of the general population, truncating variants in the A-band are the most common cause of dilated cardiomyopathy (Herman DS et al. N. Engl. J. Med., 2012 Feb;366:619-28; Roberts AM et al. Sci Transl Med, 2015 Jan;7:270ra6). TTN truncating variants encoded in constitutive exons (PSI >90%) have been found to be significantly associated with DCM regardless of their position in titin (Schafer S et al. Nat. Genet., 2017 01;49:46-53; Akhtar MM et al. Circ Heart Fail, 2020 Oct;13:e006832; Massier M et al. Clin Genet, 2025 Jan). This variant is considered to be rare based on population cohorts in the Genome Aggregation Database (gnomAD). Based on the majority of available evidence to date, this variant is likely to be pathogenic.

NM_001267550.2(TTN):c.96548dup (p.Asn32183fs)

Genes: TTN (titin; minus strand), TTN-AS1 (TTN antisense RNA 1; plus strand), LOC126806421 (CDK7 strongly-dependent group 2 enhancer GRCh37_chr2:179407630-179408829; plus strand). Cytogenetic location: 2q31.2.
Variant type: Duplication.
Coding change: c.96548dup on transcript NM_001267550.2 (MANE Select); coding-DNA position 96548, one base duplicated (A; older notation c.96548dupA).
Protein change: p.Asn32183fs; shifts the reading frame from asparagine 32183.
Molecular consequence: frameshift variant.
Genome position (GRCh38, 1-based): chr2:178,543,425, T duplicated on the plus strand (A on the coding strand, the reverse complement: TTN is on the minus strand); the first of 4 consecutive T bases (chr2:178,543,425-178,543,428); duplicating any one gives the same sequence. VCF-style (leftmost placement, unchanged base first): chr2-178543424-A-AT. GRCh37 (hg19) VCF-style: chr2-179408151-A-AT.
Other names: c.91625dup, p.Asn30542fs (NM_001256850.1); c.69353dup, p.Asn23118fs (NM_003319.4); c.88844dup, p.Asn29615fs (NM_133378.4); c.69728dup, p.Asn23243fs (NM_133432.3); c.69929dup, p.Asn23310fs (NM_133437.4); c.69353dupA (NM_003319.4); short protein forms N23118fs, N23243fs, N23310fs, N29615fs, N30542fs, N32183fs.
Identifiers: ClinVar variation 4827052 (VCV004827052.1).
Genomic context (GRCh38, chr2:178,543,424, plus strand): 5'-AGGCACTTCTGAGACCAGTACTGCATCAGATGTTTCACAAGGTTCTCCAATGCCATAAAT[A>AT]TTTTCTGGCAGCACTCTGAAATAGTACATGGTTCCTTCTACAAGTCCAGAAATTCTGTAA-3'